The following is an entry in ClinVar:

ClinVar aggregate classification (germline): Uncertain significance (0 of 4 stars; one submission).

Conditions:
POLR3C-related disorder. Also called: POLR3C-related condition.

Submission:

PreventionGenetics, part of Exact Sciences
Classification: Uncertain significance for POLR3C-related condition. Last evaluated: 2024-09-06. Review status: no assertion criteria provided. Collection method: clinical testing. Allele origin: germline.
Comment: The POLR3C c.791T>C variant is predicted to result in the amino acid substitution p.Ile264Thr. To our knowledge, this variant has not been reported in the literature. This variant is reported in 0.00088% of alleles in individuals of European (Non-Finnish) descent in gnomAD. At this time, the clinical significance of this variant is uncertain due to the absence of conclusive functional and genetic evidence.

NM_006468.8(POLR3C):c.752T>C (p.Ile251Thr)

Gene: POLR3C (RNA polymerase III subunit C; plus strand). Cytogenetic location: 1q21.1.
Variant type: single nucleotide variant.
Coding change: c.752T>C on transcript NM_006468.8 (MANE Select); coding-DNA position 752, T replaced by C.
Protein change: p.Ile251Thr; replaces isoleucine 251 with threonine.
Molecular consequence: missense variant.
Genome position (GRCh38, 1-based): chr1:145,833,333, T>C. VCF-style: chr1-145833333-T-C. GRCh37 (hg19) VCF-style: chr1-145601779-A-G.
Other names: c.791T>C, p.Ile264Thr (NM_001303456.1); short protein forms I251T, I264T.
Identifiers: ClinVar variation 3354171 (VCV003354171.1).